The following is an entry in ClinVar:

ClinVar aggregate classification (germline): Uncertain significance (1 of 4 stars; one submission).

Submission:

Labcorp Genetics (formerly Invitae), Labcorp
Classification: Uncertain significance. Last evaluated: 2025-10-21. Review status: criteria provided, single submitter. Criteria: Invitae Variant Classification Sherloc (09022015). Collection method: clinical testing. Allele origin: germline.
Comment: This sequence change replaces glutamic acid, which is acidic and polar, with alanine, which is neutral and non-polar, at codon 284 of the TNNI3K protein (p.Glu284Ala). This variant is not present in population databases (gnomAD no frequency). This variant has not been reported in the literature in individuals affected with TNNI3K-related conditions. Invitae Evidence Modeling of protein sequence and biophysical properties (such as structural, functional, and spatial information, amino acid conservation, physicochemical variation, residue mobility, and thermodynamic stability) indicates that this missense variant is not expected to disrupt TNNI3K protein function with a negative predictive value of 80%. In summary, the available evidence is currently insufficient to determine the role of this variant in disease. Therefore, it has been classified as a Variant of Uncertain Significance.

NM_015978.3(TNNI3K):c.851A>C (p.Glu284Ala)

Genes: FPGT-TNNI3K (FPGT-TNNI3K readthrough; plus strand), TNNI3K (TNNI3 interacting kinase; plus strand). Cytogenetic location: 1p31.1.
Variant type: single nucleotide variant.
Coding change: c.851A>C on transcript NM_015978.3 (MANE Select); coding-DNA position 851, A replaced by C.
Protein change: p.Glu284Ala; replaces glutamic acid 284 with alanine.
Molecular consequence: missense variant.
Genome position (GRCh38, 1-based): chr1:74,343,098, A>C. VCF-style: chr1-74343098-A-C. GRCh37 (hg19) VCF-style: chr1-74808782-A-C.
Other names: c.1154A>C, p.Glu385Ala (NM_001112808.3, NM_001199327.2); short protein forms E284A, E385A.
Identifiers: ClinVar variation 4759862 (VCV004759862.1).